The following is an entry in ClinVar:

NM_032444.4(SLX4):c.2038G>C (p.Asp680His)

Gene: SLX4 (SLX4 structure-specific endonuclease subunit; minus strand). Cytogenetic location: 16p13.3.
Variant type: single nucleotide variant.
Coding change: c.2038G>C on transcript NM_032444.4 (MANE Select); coding-DNA position 2038, G replaced by C.
Protein change: p.Asp680His; replaces aspartic acid 680 with histidine.
Molecular consequence: missense variant.
Genome position (GRCh38, 1-based): chr16:3,594,575, C>G on the plus strand (G>C on the coding strand, the complement: SLX4 is on the minus strand). VCF-style: chr16-3594575-C-G. GRCh37 (hg19) VCF-style: chr16-3644576-C-G.
Other names: c.2038G>C (LRG_503t1); short protein forms D680H.
Identifiers: ClinVar variation 568534 (VCV000568534.8), dbSNP rs1041739465, ClinGen allele CA276961554.

ClinVar aggregate classification (germline): Uncertain significance (1 of 4 stars; one submission).

Conditions:
Fanconi anemia (FA). Also called: Fanconi's anemia. Identifiers: Orphanet 84, MedGen C0015625, MeSH D005199, MONDO:0019391.

Allele frequency attached by ClinVar (database versions not stated): TOPMed 0.00002; gnomAD 0.00001.
gnomAD v4.1: 3 of 1,613,964 alleles (0.00019%); highest among the groups gnomAD compares: Non-Finnish European, 0.00025%; no homozygotes.

Submission:

Labcorp Genetics (formerly Invitae), Labcorp
Classification: Uncertain significance for Fanconi anemia. Last evaluated: 2018-06-12. Review status: criteria provided, single submitter. Criteria: Invitae Variant Classification Sherloc (09022015). Collection method: clinical testing. Allele origin: germline.
Comment: In summary, the available evidence is currently insufficient to determine the role of this variant in disease. Therefore, it has been classified as a Variant of Uncertain Significance. Algorithms developed to predict the effect of missense changes on protein structure and function are either unavailable or do not agree on the potential impact of this missense change (SIFT: "Deleterious"; PolyPhen-2: "Probably Damaging"; Align-GVGD: "Class C0"). This variant has not been reported in the literature in individuals with SLX4-related disease. This variant is not present in population databases (ExAC no frequency). This sequence change replaces aspartic acid with histidine at codon 680 of the SLX4 protein (p.Asp680His). The aspartic acid residue is highly conserved and there is a moderate physicochemical difference between aspartic acid and histidine.